The following is an entry in ClinVar:

NM_001204.7(BMPR2):c.248G>T (p.Gly83Val)

Gene: BMPR2 (bone morphogenetic protein receptor type 2; plus strand). Cytogenetic location: 2q33.1.
Variant type: single nucleotide variant.
Coding change: c.248G>T on transcript NM_001204.7 (MANE Select); coding-DNA position 248, G replaced by T.
Protein change: p.Gly83Val; replaces glycine 83 with valine.
Molecular consequence: missense variant.
Genome position (GRCh38, 1-based): chr2:202,467,519, G>T. VCF-style: chr2-202467519-G-T. GRCh37 (hg19) VCF-style: chr2-203332242-G-T.
Other names: short protein forms G83V.
Identifiers: ClinVar variation 2697677 (VCV002697677.3), dbSNP rs1085307195, ClinGen allele CA350399505.

ClinVar aggregate classification (germline): Uncertain significance (1 of 4 stars; one submission).

Conditions:
Primary pulmonary hypertension. Also called: Idiopathic pulmonary hypertension. Identifiers: MedGen C0152171.

Submission:

Labcorp Genetics (formerly Invitae), Labcorp
Classification: Uncertain significance for Primary pulmonary hypertension. Last evaluated: 2024-01-04. Review status: criteria provided, single submitter. Criteria: Invitae Variant Classification Sherloc (09022015). Collection method: clinical testing. Allele origin: germline.
Comment: This sequence change replaces glycine, which is neutral and non-polar, with valine, which is neutral and non-polar, at codon 83 of the BMPR2 protein (p.Gly83Val). This variant is not present in population databases (gnomAD no frequency). This missense change has been observed in individual(s) with clinical features of pulmonary hypertension (Invitae). An algorithm developed to predict the effect of missense changes on protein structure and function (PolyPhen-2) suggests that this variant is likely to be disruptive. This variant disrupts the p.Gly83 amino acid residue in BMPR2. Other variant(s) that disrupt this residue have been observed in individuals with BMPR2-related conditions (PMID: 18356561), which suggests that this may be a clinically significant amino acid residue. In summary, the available evidence is currently insufficient to determine the role of this variant in disease. Therefore, it has been classified as a Variant of Uncertain Significance.

Literature cited by the submitters: PubMed 18356561.